The following is an entry in ClinVar:

NM_015065.3(EXPH5):c.1245T>G (p.Tyr415Ter)

Gene: EXPH5 (exophilin 5; minus strand). Cytogenetic location: 11q22.3.
Variant type: single nucleotide variant.
Coding change: c.1245T>G on transcript NM_015065.3 (MANE Select); coding-DNA position 1245, T replaced by G.
Protein change: p.Tyr415Ter; replaces tyrosine 415 with a stop codon.
Molecular consequence: nonsense.
Genome position (GRCh38, 1-based): chr11:108,514,262, A>C on the plus strand (T>G on the coding strand, the complement: EXPH5 is on the minus strand). VCF-style: chr11-108514262-A-C. GRCh37 (hg19) VCF-style: chr11-108384989-A-C.
Other names: c.1017T>G, p.Tyr339Ter (NM_001144763.2); c.777T>G, p.Tyr259Ter (NM_001144764.2); c.681T>G, p.Tyr227Ter (NM_001144765.2); c.1224T>G, p.Tyr408Ter (NM_001308019.2); short protein forms Y259*, Y408*, Y339*, Y415*, Y227*.
Identifiers: ClinVar variation 2175729 (VCV002175729.4), dbSNP rs2548159532, ClinGen allele CA382556038.
Genomic context (GRCh38, chr11:108,514,262, plus strand): 5'-ATTCTCCATGGGAGCATTTAAACTAACACGTTGGTAAACATTCTGTGAATGGTACGATTC[A>C]TATCTCTTATTCTCCTGAAAACCCCTGGGATACACATACTTGTCAGCGGGATCAATTTCC-3'

ClinVar aggregate classification (germline): Uncertain significance (1 of 4 stars; one submission).

Allele frequency attached by ClinVar (database versions not stated): gnomAD exomes below 0.00001.

Submission:

Labcorp Genetics (formerly Invitae), Labcorp
Classification: Uncertain significance. Last evaluated: 2022-02-10. Review status: criteria provided, single submitter. Criteria: Invitae Variant Classification Sherloc (09022015). Collection method: clinical testing. Allele origin: germline.
Comment: In summary, the available evidence is currently insufficient to determine the role of this variant in disease. Therefore, it has been classified as a Variant of Uncertain Significance. This variant has not been reported in the literature in individuals affected with EXPH5-related conditions. This variant is not present in population databases (gnomAD no frequency). This sequence change creates a premature translational stop signal (p.Tyr415*) in the EXPH5 gene. While this is not anticipated to result in nonsense mediated decay, it is expected to disrupt the last 1575 amino acid(s) of the EXPH5 protein.